The following is an entry in ClinVar:

NM_022552.5(DNMT3A):c.448+30T>C

Gene: DNMT3A (DNA methyltransferase 3 alpha; minus strand). Cytogenetic location: 2p23.3.
Variant type: single nucleotide variant.
Coding change: c.448+30T>C on transcript NM_022552.5 (MANE Select); 30 bases into the intron after coding-DNA position 448, T replaced by C.
Molecular consequence: intron variant. On other transcripts: missense variant (2).
Genome position (GRCh38, 1-based): chr2:25,282,411, A>G on the plus strand (T>C on the coding strand, the complement: DNMT3A is on the minus strand). VCF-style: chr2-25282411-A-G. GRCh37 (hg19) VCF-style: chr2-25505280-A-G.
Other names: c.478T>C, p.Ser160Pro (NM_001320892.2, NM_175630.1); c.448+30T>C (NM_175629.2); short protein forms S160P.
Identifiers: ClinVar variation 4985329 (VCV004985329.1).

ClinVar aggregate classification (germline): Uncertain significance (1 of 4 stars; one submission).

Conditions:
DNMT3A-related disorder. Also called: DNMT3A-related disorders; DNMT3A-related condition.

Submission:

PreventionGenetics, part of Exact Sciences
Classification: Uncertain significance for DNMT3A-related condition. Last evaluated: 2025-01-03. Review status: criteria provided, single submitter. Criteria: ACMG Guidelines, 2015. Collection method: clinical testing. Allele origin: germline.
Comment: The DNMT3A c.478T>C variant is predicted to result in the amino acid substitution p.Ser160Pro. To our knowledge, this variant has not been reported in the literature or in a large population database (gnomAD), indicating this variant is rare. At this time, the clinical significance of this variant is uncertain due to the absence of conclusive functional and genetic evidence.